The following is an entry in ClinVar:

ClinVar aggregate classification (germline): Pathogenic (1 of 4 stars; one submission).

Submission:

Labcorp Genetics (formerly Invitae), Labcorp
Classification: Pathogenic. Last evaluated: 2024-09-21. Review status: criteria provided, single submitter. Criteria: Invitae Variant Classification Sherloc (09022015). Collection method: clinical testing. Allele origin: germline.
Comment: This sequence change creates a premature translational stop signal (p.Thr20Asnfs*6) in the MYO3A gene. It is expected to result in an absent or disrupted protein product. Loss-of-function variants in MYO3A are known to be pathogenic (PMID: 12032315, 23990876). This variant is not present in population databases (gnomAD no frequency). This variant has not been reported in the literature in individuals affected with MYO3A-related conditions. For these reasons, this variant has been classified as Pathogenic.

Literature cited by the submitters: PubMed 12032315; PubMed 23990876.

NM_017433.5(MYO3A):c.58dup (p.Thr20fs)

Gene: MYO3A (myosin IIIA; plus strand). Cytogenetic location: 10p12.1.
Variant type: Duplication.
Coding change: c.58dup on transcript NM_017433.5 (MANE Select); coding-DNA position 58, one base duplicated (A; older notation c.58dupA).
Protein change: p.Thr20fs; shifts the reading frame from threonine 20.
Molecular consequence: frameshift variant.
Genome position (GRCh38, 1-based): chr10:25,952,168, A duplicated. VCF-style (leftmost placement, unchanged base first): chr10-25952167-T-TA. GRCh37 (hg19) VCF-style: chr10-26241096-T-TA.
Other names: c.58dup, p.Thr20fs (NM_001368265.1); short protein forms T20fs.
Identifiers: ClinVar variation 3697693 (VCV003697693.2).